The following is an entry in ClinVar:

ClinVar aggregate classification (germline): Uncertain significance. Review status: criteria provided, multiple submitters, no conflicts (2 of 4 stars). 2 submissions from 2 submitters: Uncertain significance (2). Last evaluated 2025-01-23.

Conditions:
Gnathodiaphyseal dysplasia (GDD). Also called: GNATHODIAPHYSEAL SCLEROSIS; OSTEOGENESIS IMPERFECTA WITH UNUSUAL SKELETAL LESIONS. Identifiers: Orphanet 53697, MedGen C1833736, MONDO:0008151, OMIM 166260.
Autosomal recessive limb-girdle muscular dystrophy type 2L (LGMDR12). Also called: MUSCULAR DYSTROPHY, LIMB-GIRDLE, AUTOSOMAL RECESSIVE 12; Limb-Girdle Muscular Dystrophy R12 Anoctamin-5-Related (LGMD-R12); Limb-girdle muscular dystrophy, type 2L. Identifiers: Orphanet 206549, MedGen C1969785, MONDO:0012652, OMIM 611307.

Allele frequency attached by ClinVar (database versions not stated): gnomAD exomes below 0.00001.
gnomAD v4.1: 2 of 1,613,010 alleles (0.00012%); highest among the groups gnomAD compares: South Asian, 0.0022%; no homozygotes.

Submissions (2):

Labcorp Genetics (formerly Invitae), Labcorp
Classification: Uncertain significance for Autosomal recessive limb-girdle muscular dystrophy type 2L; Gnathodiaphyseal dysplasia. Last evaluated: 2025-01-23. Review status: criteria provided, single submitter. Criteria: Invitae Variant Classification Sherloc (09022015). Collection method: clinical testing. Allele origin: germline.
Comment: This sequence change replaces threonine, which is neutral and polar, with arginine, which is basic and polar, at codon 272 of the ANO5 protein (p.Thr272Arg). This variant is present in population databases (no rsID available, gnomAD 0.003%). This missense change has been observed in individual(s) with clinical features of limb-girdle muscular dystrophy (PMID: 30564623). ClinVar contains an entry for this variant (Variation ID: 501049). Invitae Evidence Modeling of protein sequence and biophysical properties (such as structural, functional, and spatial information, amino acid conservation, physicochemical variation, residue mobility, and thermodynamic stability) has been performed for this missense variant. However, the output from this modeling did not meet the statistical confidence thresholds required to predict the impact of this variant on ANO5 protein function. In summary, the available evidence is currently insufficient to determine the role of this variant in disease. Therefore, it has been classified as a Variant of Uncertain Significance.

Eurofins Ntd Llc (ga)
Classification: Uncertain significance. Last evaluated: 2017-03-26. Review status: criteria provided, single submitter. Criteria: EGL Classification Definitions 2015. Collection method: clinical testing. Allele origin: germline. Observed: 1 variant allele, 1 heterozygote.

Literature cited by the submitters: PubMed 30564623 (cited by Labcorp Genetics (formerly Invitae), Labcorp).

NM_213599.3(ANO5):c.815C>G (p.Thr272Arg)

Gene: ANO5 (anoctamin 5; plus strand). Cytogenetic location: 11p14.3.
Variant type: single nucleotide variant.
Coding change: c.815C>G on transcript NM_213599.3 (MANE Select); coding-DNA position 815, C replaced by G.
Protein change: p.Thr272Arg; replaces threonine 272 with arginine.
Molecular consequence: missense variant.
Genome position (GRCh38, 1-based): chr11:22,239,621, C>G. VCF-style: chr11-22239621-C-G. GRCh37 (hg19) VCF-style: chr11-22261167-C-G.
Other names: c.812C>G, p.Thr271Arg (NM_001142649.2); short protein forms T272R, T271R.
Identifiers: ClinVar variation 501049 (VCV000501049.7), dbSNP rs1445016238, ClinGen allele CA379920478.